The following is an entry in ClinVar:

ClinVar aggregate classification (germline): Uncertain significance (1 of 4 stars; one submission).

Conditions:
Charcot-Marie-Tooth disease type 2. Also called: Charcot-Marie-Tooth type 2. Identifiers: Orphanet 64746, MedGen C0270914, MONDO:0018993.

Submission:

Labcorp Genetics (formerly Invitae), Labcorp
Classification: Uncertain significance for Charcot-Marie-Tooth disease type 2. Last evaluated: 2022-01-12. Review status: criteria provided, single submitter. Criteria: Invitae Variant Classification Sherloc (09022015). Collection method: clinical testing. Allele origin: germline.
Comment: In summary, the available evidence is currently insufficient to determine the role of this variant in disease. Therefore, it has been classified as a Variant of Uncertain Significance. Algorithms developed to predict the effect of missense changes on protein structure and function are either unavailable or do not agree on the potential impact of this missense change (SIFT: "Tolerated"; PolyPhen-2: "Probably Damaging"; Align-GVGD: "Class C0"). This variant has not been reported in the literature in individuals affected with AARS-related conditions. This variant is not present in population databases (gnomAD no frequency). This sequence change replaces arginine, which is basic and polar, with proline, which is neutral and non-polar, at codon 277 of the AARS protein (p.Arg277Pro).

NM_001605.3(AARS1):c.830G>C (p.Arg277Pro)

Gene: AARS1 (alanyl-tRNA synthetase 1; minus strand). Cytogenetic location: 16q22.1.
Variant type: single nucleotide variant.
Coding change: c.830G>C on transcript NM_001605.3 (MANE Select); coding-DNA position 830, G replaced by C.
Protein change: p.Arg277Pro; replaces arginine 277 with proline.
Molecular consequence: missense variant.
Genome position (GRCh38, 1-based): chr16:70,269,750, C>G on the plus strand (G>C on the coding strand, the complement: AARS1 is on the minus strand). VCF-style: chr16-70269750-C-G. GRCh37 (hg19) VCF-style: chr16-70303653-C-G.
Other names: short protein forms R277P.
Identifiers: ClinVar variation 2058774 (VCV002058774.4), dbSNP rs541788902, ClinGen allele CA396564920.